The following is an entry in ClinVar:

NM_000169.3(GLA):c.44C>A (p.Ala15Glu)

Genes: GLA (galactosidase alpha; minus strand), RPL36A-HNRNPH2 (RPL36A-HNRNPH2 readthrough; plus strand). Cytogenetic location: Xq22.1.
Variant type: single nucleotide variant.
Coding change: c.44C>A on transcript NM_000169.3 (MANE Select); coding-DNA position 44, C replaced by A.
Protein change: p.Ala15Glu; replaces alanine 15 with glutamic acid.
Molecular consequence: missense variant. On other transcripts: non-coding transcript variant (3), intron variant (2).
Genome position (GRCh38, 1-based): chrX:101,407,860, G>T on the plus strand (C>A on the coding strand, the complement: GLA is on the minus strand). VCF-style: chrX-101407860-G-T. GRCh37 (hg19) VCF-style: chrX-100662848-G-T.
Other names: c.44C>A, p.Ala15Glu (NM_001406747.1, NM_001406748.1, NM_001406749.1); c.301-4076G>T (NM_001199973.2); c.178-4076G>T (NM_001199974.2); short protein forms A15E.
Identifiers: ClinVar variation 2138674 (VCV002138674.8), dbSNP rs869312304, ClinGen allele CA352491.

ClinVar aggregate classification (germline): Pathogenic. Review status: criteria provided, multiple submitters, no conflicts (2 of 4 stars). 4 submissions from 4 submitters: Pathogenic (4). Last evaluated 2026-09-08.

Conditions:
Fabry disease. Also called: Fabry's disease; GLA DEFICIENCY; HEREDITARY DYSTOPIC LIPIDOSIS; ANDERSON-FABRY DISEASE; CERAMIDE TRIHEXOSIDASE DEFICIENCY; Ceramide trihexosidosis. Identifiers: Orphanet 324, MedGen C0002986, MONDO:0010526, OMIM 301500, HP:0001071. Disease mechanism: loss of function, Fabry disease is due to inactivating mutations in the X-linked GLA gene resulting in deficiency of the enzyme Alpha Galactosidase-A..
GLA-related disorder. Also called: GLA-related condition.

Submissions (4):

Genomenon, Inc
Classification: Pathogenic for Fabry disease. Last evaluated: 2026-09-08. Review status: criteria provided, single submitter. Criteria: Genomenon Sequence Variant Interpretation Standards - Updated. Collection method: curation. Allele origin: germline. Affected: yes.
Comment: GLA p.Ala15Glu (c.44C>A) is a missense variant that changes the amino acid at codon 15 from Alanine to Glutamic acid. This variant has been observed in at least one proband with clinical features consistent with Fabry disease (PMID:29274327;26252393;22805550;40692291;31996269;36140787;29305833;39182239). The variant was found to segregate with disease in at least one affected family (PMID:40692291;36140787). At least one functional study has demonstrated a substantial alteration in protein function relative to the wild-type (PMID:23935525). It is absent or not present at a significant frequency in gnomAD. In conclusion, we classify GLA p.Ala15Glu (c.44C>A) as a pathogenic variant.

Natera, Inc.
Classification: Pathogenic for Fabry disease. Last evaluated: 2025-01-14. Review status: criteria provided, single submitter. Criteria: Natera Variant Classification Schema (03/2026). Collection method: clinical testing. Allele origin: germline.
Comment: The c.44C>A variant in GLA is a missense variant predicted to cause substitution of alanine to glutamic acid at amino acid 15. This variant is rare in the general population with a frequency below the threshold expected for the associated phenotype(s). This variant has been observed in affected individual(s) with monoallelic occurrence (heterozygous/hemizygous) (PMID: 22805550, 29274327, 26252393, 36140787). This variant has been identified in one or more affected individual with a phenotype highly consistent with the associated gene (PMID: 22805550, 29274327, 26252393, 36140787). Multiple computational prediction algorithms suggest this variant is unlikely to affect gene or protein function. Given the available evidence, this variant is classified as Pathogenic.

Blueprint Genetics
Classification: Pathogenic for GLA-related disorders. Last evaluated: 2022-12-12. Review status: criteria provided, single submitter. Criteria: ACMG Guidelines, 2015. Collection method: clinical testing. Allele origin: germline. Affected: yes. Observed: 2 variant alleles.

Labcorp Genetics (formerly Invitae), Labcorp
Classification: Pathogenic for Fabry disease. Last evaluated: 2022-11-08. Review status: criteria provided, single submitter. Criteria: Invitae Variant Classification Sherloc (09022015). Collection method: clinical testing. Allele origin: germline.
Comment: For these reasons, this variant has been classified as Pathogenic. Experimental studies have shown that this missense change affects GLA function (PMID: 23935525). Algorithms developed to predict the effect of missense changes on protein structure and function output the following: SIFT: "Tolerated"; PolyPhen-2: "Benign"; Align-GVGD: "Class C0". The glutamic acid amino acid residue is found in multiple mammalian species, which suggests that this missense change does not adversely affect protein function. This missense change has been observed in individual(s) with Fabry disease (PMID: 22805550, 31996269; Invitae). It has also been observed to segregate with disease in related individuals. This variant is not present in population databases (gnomAD no frequency). This sequence change replaces alanine, which is neutral and non-polar, with glutamic acid, which is acidic and polar, at codon 15 of the GLA protein (p.Ala15Glu).

Literature cited by the submitters: PubMed 29274327 (cited by Genomenon, Inc and Natera, Inc.); PubMed 26252393 (cited by Genomenon, Inc and Natera, Inc.); PubMed 22805550 (cited by 3 submitters); PubMed 40692291 (cited by Genomenon, Inc); PubMed 31996269 (cited by Genomenon, Inc and Labcorp Genetics (formerly Invitae), Labcorp); PubMed 36140787 (cited by Genomenon, Inc and Natera, Inc.); PubMed 29305833 (cited by Genomenon, Inc); PubMed 39182239 (cited by Genomenon, Inc); PubMed 23935525 (cited by Genomenon, Inc and Labcorp Genetics (formerly Invitae), Labcorp).